The following is an entry in ClinVar:

ClinVar aggregate classification (germline): Likely benign. Review status: criteria provided, multiple submitters, no conflicts (2 of 4 stars). 6 submissions from 6 submitters: Likely benign (5). 1 of the submissions does not count toward it. Last evaluated 2026-06-01.

Conditions:
ARID1B-Related Disorder. Identifiers: MedGen CN381337.
Inborn genetic diseases. Identifiers: MedGen C0950123, MeSH D030342.

Submissions (6):

CeGaT Center for Human Genetics Tuebingen
Classification: Likely benign. Last evaluated: 2026-06-01. Review status: criteria provided, single submitter. Criteria: CeGaT Center For Human Genetics Tuebingen Variant Classification Criteria Version 2. Collection method: clinical testing. Allele origin: germline. Affected: yes. Observed: 3 variant alleles.
Comment: ARID1B: BS1

Labcorp Genetics (formerly Invitae), Labcorp
Classification: Likely benign. Last evaluated: 2026-01-19. Review status: criteria provided, single submitter. Criteria: Invitae Variant Classification Sherloc (09022015). Collection method: clinical testing. Allele origin: germline.

Blueprint Genetics
Classification: Likely benign. Last evaluated: 2024-11-15. Review status: criteria provided, single submitter. Criteria: ACMG Guidelines, 2015. Collection method: clinical testing. Allele origin: germline.

Ambry Genetics
Classification: Likely benign for Inborn genetic diseases. Last evaluated: 2024-10-04. Review status: criteria provided, single submitter. Criteria: Ambry Variant Classification Scheme 2023. Collection method: clinical testing. Allele origin: germline.

GeneDx
Classification: Likely benign. Last evaluated: 2022-03-22. Review status: criteria provided, single submitter. Criteria: GeneDx Variant Classification Process June 2021. Collection method: clinical testing. Allele origin: germline. Affected: yes.

PreventionGenetics, part of Exact Sciences
Classification: Likely benign for ARID1B-related condition. Last evaluated: 2022-05-24. Review status: no assertion criteria provided. Collection method: clinical testing. Allele origin: germline. Not counted in ClinVar's aggregate classification.
Comment: This variant is classified as likely benign based on ACMG/AMP sequence variant interpretation guidelines (Richards et al. 2015 PMID: 25741868, with internal and published modifications).

NM_001374828.1(ARID1B):c.1235CAGGAG[3] (p.Gly415_Gly416insAlaGly)

Gene: ARID1B (AT-rich interaction domain 1B; plus strand). Cytogenetic location: 6q25.3.
Variant type: Microsatellite.
Coding change: c.1235CAGGAG[3] on transcript NM_001374828.1 (MANE Select); three copies in a row of the 6-base unit CAGGAG starting at c.1235; the reference has two copies in a row; one copy, 6 bases duplicated.
Protein change: p.Gly415_Gly416insAlaGly.
Molecular consequence: inframe insertion.
Genome position (GRCh38, 1-based): chr6:156,778,921-156,778,926, CAGGAG duplicated; duplicating any 6 consecutive bases within chr6:156,778,910-156,778,926 gives the same sequence; the position shown is the placement nearest the transcript's 3' end. VCF-style (leftmost placement, unchanged base first): chr6-156778909-G-GAGGAGC. GRCh37 (hg19) VCF-style: chr6-157100043-G-GAGGAGC.
Other names: c.992_997dup (NM_020732.3); c.1235CAGGAG[3], p.Gly415_Gly416insAlaGly (NM_001371656.1, NM_001374820.1, NM_017519.3); c.992_997dup6 (NM_020732.3).
Identifiers: ClinVar variation 588355 (VCV000588355.48), dbSNP rs747438636, ClinGen allele CA4066721.